The following is an entry in ClinVar:

NM_000186.4(CFH):c.889G>A (p.Gly297Ser)

Gene: CFH (complement factor H; plus strand). Cytogenetic location: 1q31.3.
Variant type: single nucleotide variant.
Coding change: c.889G>A on transcript NM_000186.4 (MANE Select); coding-DNA position 889, G replaced by A.
Protein change: p.Gly297Ser; replaces glycine 297 with serine.
Molecular consequence: missense variant.
Genome position (GRCh38, 1-based): chr1:196,685,162, G>A. VCF-style: chr1-196685162-G-A. GRCh37 (hg19) VCF-style: chr1-196654292-G-A.
Other names: c.889G>A, p.Gly297Ser (NM_001014975.3); short protein forms G297S.
Identifiers: ClinVar variation 1399204 (VCV001399204.12), dbSNP rs764573258, ClinGen allele CA1305192.

ClinVar aggregate classification (germline): Uncertain significance. Review status: criteria provided, multiple submitters, no conflicts (2 of 4 stars). 7 submissions from 4 submitters: Uncertain significance (7). Last evaluated 2025-10-02.

Conditions:
Basal laminar drusen. Also called: DRUSEN OF BRUCH MEMBRANE; DRUSEN, CUTICULAR; DRUSEN, EARLY ADULT-ONSET, GROUPED. Identifiers: Orphanet 75376, MedGen C0730295, MONDO:0007472, OMIM 126700.
Factor H deficiency (CFHD). Also called: CFH DEFICIENCY; COMPLEMENT FACTOR H DEFICIENCY. Identifiers: Orphanet 200421, MedGen C0398777, MONDO:0012350, OMIM 609814.
Age related macular degeneration 4. Identifiers: MedGen C1853147, MONDO:0012540, OMIM 610698.
Hemolytic uremic syndrome, atypical, susceptibility to, 1. Also called: AHUS, SUSCEPTIBILITY TO, 1. Identifiers: Orphanet 2134, Orphanet 90038, MedGen C2749604, MONDO:0009335, OMIM 235400. Disease mechanism: Other.

Allele frequency attached by ClinVar (database versions not stated): gnomAD 0.00001; gnomAD exomes 0.00001 and 0.00003; ExAC 0.00002; TOPMed 0.00002.
gnomAD v4.1: 10 of 1,612,930 alleles (0.00062%); highest among the groups gnomAD compares: Admixed American, 0.013%; no homozygotes.

Submissions (7):

Genomenon, Inc
Classification: Uncertain significance for Age related macular degeneration 4. Last evaluated: 2025-10-02. Review status: criteria provided, single submitter. Criteria: Genomenon Sequence Variant Interpretation Standards - Updated. Collection method: curation. Allele origin: germline. Affected: yes.
Comment: CFH p.Gly297Ser (c.889G>A) is a missense variant that changes the amino acid at residue 297 from Glycine to Serine. This variant has been observed in at least one proband affected with age-related macular degeneration (PMID:29686068). It is absent or not present at a significant frequency in gnomAD. In conclusion, we classify CFH p.Gly297Ser (c.889G>A) as a variant of uncertain significance.

Labcorp Genetics (formerly Invitae), Labcorp
Classification: Uncertain significance. Last evaluated: 2025-09-04. Review status: criteria provided, single submitter. Criteria: Invitae Variant Classification Sherloc (09022015). Collection method: clinical testing. Allele origin: germline.
Comment: This sequence change replaces glycine, which is neutral and non-polar, with serine, which is neutral and polar, at codon 297 of the CFH protein (p.Gly297Ser). This variant is present in population databases (rs764573258, gnomAD 0.02%). This missense change has been observed in individual(s) with age-related macular degeneration (PMID: 29686068). ClinVar contains an entry for this variant (Variation ID: 1399204). An algorithm developed to predict the effect of missense changes on protein structure and function (PolyPhen-2) suggests that this variant is likely to be disruptive. In summary, the available evidence is currently insufficient to determine the role of this variant in disease. Therefore, it has been classified as a Variant of Uncertain Significance.

Fulgent Genetics
Classification: Uncertain significance for Basal laminar drusen; Hemolytic uremic syndrome, atypical, susceptibility to, 1; Factor H deficiency; Age related macular degeneration 4. Last evaluated: 2024-01-10. Review status: criteria provided, single submitter. Criteria: ACMG Guidelines, 2015. Collection method: clinical testing. Allele origin: germline.

Genome-Nilou Lab
Classification: Uncertain significance for Hemolytic uremic syndrome, atypical, susceptibility to, 1. Last evaluated: 2023-04-11. Review status: criteria provided, single submitter. Criteria: ACMG Guidelines, 2015. Collection method: clinical testing. Allele origin: germline. Affected: no.

Genome-Nilou Lab
Classification: Uncertain significance for Age related macular degeneration 4. Last evaluated: 2023-04-11. Review status: criteria provided, single submitter. Criteria: ACMG Guidelines, 2015. Collection method: clinical testing. Allele origin: germline. Affected: no.

Genome-Nilou Lab
Classification: Uncertain significance for Basal laminar drusen. Last evaluated: 2023-04-11. Review status: criteria provided, single submitter. Criteria: ACMG Guidelines, 2015. Collection method: clinical testing. Allele origin: germline. Affected: no.

Genome-Nilou Lab
Classification: Uncertain significance for Factor H deficiency. Last evaluated: 2023-04-11. Review status: criteria provided, single submitter. Criteria: ACMG Guidelines, 2015. Collection method: clinical testing. Allele origin: germline. Affected: no.

Literature cited by the submitters: PubMed 29686068 (cited by Genomenon, Inc and Labcorp Genetics (formerly Invitae), Labcorp).